The following is an entry in ClinVar:

ClinVar aggregate classification (germline): Uncertain significance. Review status: criteria provided, multiple submitters, no conflicts (2 of 4 stars). 2 submissions from 2 submitters: Uncertain significance (2). Last evaluated 2025-12-11.

Conditions:
Inborn genetic diseases. Identifiers: MedGen C0950123, MeSH D030342.

gnomAD v4.1: 59 of 1,613,778 alleles (0.0037%); highest among the groups gnomAD compares: Non-Finnish European, 0.0046%; no homozygotes.

Submissions (2):

Labcorp Genetics (formerly Invitae), Labcorp
Classification: Uncertain significance. Last evaluated: 2025-12-11. Review status: criteria provided, single submitter. Criteria: Invitae Variant Classification Sherloc (09022015). Collection method: clinical testing. Allele origin: germline.
Comment: This sequence change replaces glutamic acid, which is acidic and polar, with glutamine, which is neutral and polar, at codon 264 of the ATP6V1B1 protein (p.Glu264Gln). This variant is present in population databases (rs200839517, gnomAD 0.002%). This variant has not been reported in the literature in individuals affected with ATP6V1B1-related conditions. Invitae Evidence Modeling of protein sequence and biophysical properties (such as structural, functional, and spatial information, amino acid conservation, physicochemical variation, residue mobility, and thermodynamic stability) has been performed for this missense variant. However, the output from this modeling did not meet the statistical confidence thresholds required to predict the impact of this variant on ATP6V1B1 protein function. In summary, the available evidence is currently insufficient to determine the role of this variant in disease. Therefore, it has been classified as a Variant of Uncertain Significance.

Ambry Genetics
Classification: Uncertain significance for Inborn genetic diseases. Last evaluated: 2025-11-03. Review status: criteria provided, single submitter. Criteria: Ambry Variant Classification Scheme 2023. Collection method: clinical testing. Allele origin: germline.

NM_001692.4(ATP6V1B1):c.790G>C (p.Glu264Gln)

Gene: ATP6V1B1 (ATPase H+ transporting V1 subunit B1; plus strand). Cytogenetic location: 2p13.3.
Variant type: single nucleotide variant.
Coding change: c.790G>C on transcript NM_001692.4 (MANE Select); coding-DNA position 790, G replaced by C.
Protein change: p.Glu264Gln; replaces glutamic acid 264 with glutamine.
Molecular consequence: missense variant.
Genome position (GRCh38, 1-based): chr2:70,962,781, G>C. VCF-style: chr2-70962781-G-C. GRCh37 (hg19) VCF-style: chr2-71189911-G-C.
Other names: short protein forms E264Q.
Identifiers: ClinVar variation 4591850 (VCV004591850.2).
Genomic context (GRCh38, chr2:70,962,781, plus strand): 5'-ATGTGGTGCATTAGCCCAGGCCTCCAGGCTCTCTAAACACCTGGCTACACCTCCAGGATC[G>C]AGCGGATCATCACCCCGCGCCTGGCGCTGACCACTGCTGAATTCCTTGCCTACCAGTGTG-3'
Protein context (NP_001683.2, residues 254-274): FLNLANDPTI[Glu264Gln]RIITPRLALT